The following is an entry in ClinVar:

ClinVar aggregate classification (germline): Likely pathogenic (1 of 4 stars; one submission).

Submission:

Labcorp Genetics (formerly Invitae), Labcorp
Classification: Likely pathogenic. Last evaluated: 2023-10-14. Review status: criteria provided, single submitter. Criteria: Invitae Variant Classification Sherloc (09022015). Collection method: clinical testing. Allele origin: germline.
Comment: This sequence change affects a donor splice site in intron 95 of the COL7A1 gene. It is expected to disrupt splicing. Variants that disrupt the donor or acceptor splice site typically lead to a loss of protein function (PMID: 16199547), and loss-of-function variants in COL7A1 are known to be disease-causing for autosomal recessive dystrophic epidermolysis bullosa (PMID: 16971478). However, certain variants affecting donor or acceptor splice sites in the triple helical domain of COL7A1 are expected to result in in-frame exon skipping and have been reported to cause autosomal dominant dystrophic epidermolysis bullosa (PMID: 31670143). This variant is not present in population databases (gnomAD no frequency). This variant has not been reported in the literature in individuals affected with COL7A1-related conditions. ClinVar contains an entry for this variant (Variation ID: 2118723). Algorithms developed to predict the effect of sequence changes on RNA splicing suggest that this variant may disrupt the consensus splice site. In summary, the currently available evidence indicates that the variant is pathogenic, but additional data are needed to prove that conclusively. Therefore, this variant has been classified as Likely Pathogenic.

Literature cited by the submitters: PubMed 16199547; PubMed 16971478; PubMed 31670143.

NM_000094.4(COL7A1):c.7344+2T>C

Gene: COL7A1 (collagen type VII alpha 1 chain; minus strand). Cytogenetic location: 3p21.31.
Variant type: single nucleotide variant.
Coding change: c.7344+2T>C on transcript NM_000094.4 (MANE Select); the canonical splice donor site of the intron after coding-DNA position 7344, T replaced by C.
Molecular consequence: splice donor variant.
Genome position (GRCh38, 1-based): chr3:48,570,637, A>G on the plus strand (T>C on the coding strand, the complement: COL7A1 is on the minus strand). VCF-style: chr3-48570637-A-G. GRCh37 (hg19) VCF-style: chr3-48608070-A-G.
Identifiers: ClinVar variation 2118723 (VCV002118723.4), dbSNP rs2530865947, ClinGen allele CA352647412.